The following is an entry in ClinVar:

ClinVar aggregate classification (germline): Uncertain significance (1 of 4 stars; one submission).

Conditions:
Cardiovascular phenotype. Identifiers: MedGen CN230736.

Submission:

Ambry Genetics
Classification: Uncertain significance for Cardiovascular phenotype. Last evaluated: 2025-03-25. Review status: criteria provided, single submitter. Criteria: Ambry Variant Classification Scheme 2023. Collection method: clinical testing. Allele origin: germline.
Comment: The p.I1307N variant (also known as c.3920T>A), located in coding exon 33 of the ANK2 gene, results from a T to A substitution at nucleotide position 3920. The isoleucine at codon 1307 is replaced by asparagine, an amino acid with dissimilar properties. This amino acid position is conserved. In addition, the in silico prediction for this alteration is inconclusive. Based on the available evidence, the clinical significance of this variant remains unclear.

NM_001148.6(ANK2):c.3920T>A (p.Ile1307Asn)

Gene: ANK2 (ankyrin 2; plus strand). Cytogenetic location: 4q26.
Variant type: single nucleotide variant.
Coding change: c.3920T>A on transcript NM_001148.6 (MANE Select); coding-DNA position 3920, T replaced by A.
Protein change: p.Ile1307Asn; replaces isoleucine 1307 with asparagine.
Molecular consequence: missense variant.
Genome position (GRCh38, 1-based): chr4:113,341,714, T>A. VCF-style: chr4-113341714-T-A. GRCh37 (hg19) VCF-style: chr4-114262870-T-A.
Other names: c.3893T>A, p.Ile1298Asn (NM_001127493.3); c.3932T>A, p.Ile1311Asn (NM_001354225.2); c.3821T>A, p.Ile1274Asn (NM_001354228.2, NM_001354258.2); c.3899T>A, p.Ile1300Asn (NM_001354230.2); c.3962T>A, p.Ile1321Asn (NM_001354231.2, NM_001354242.2); c.3956T>A, p.Ile1319Asn (NM_001354232.2); c.3917T>A, p.Ile1306Asn (NM_001354235.2, NM_001354246.2, NM_001354265.2); c.3818T>A, p.Ile1273Asn (NM_001354236.2); and 31 more; short protein forms I1207N, I1212N, I1260N, I1262N, I1264N, I1285N, I1290N, I1298N.
Identifiers: ClinVar variation 4050800 (VCV004050800.1).